The following is an entry in ClinVar:

Conditions:
Long QT syndrome 5 (LQT5). Identifiers: Orphanet 101016, Orphanet 768, MedGen C1867904, MONDO:0013372, OMIM 613695.

Submission:

Roden Lab, Vanderbilt University Medical Center
No classification provided (evidence only). Condition: Long QT syndrome 5. Review status: no classification provided. Collection method: in vitro. Allele origin: not applicable. Functional consequence: Effect on ion channel function.
ClinVar note: "not provided" was previously submitted as the classification for the variant. However, the classification appeared to be based only on an observation of functional data so it was converted to no classification on 2025-07-30.

NM_000219.6(KCNE1):c.267G>T (p.Glu89Asp)

Gene: KCNE1 (potassium voltage-gated channel subfamily E regulatory subunit 1; minus strand). Cytogenetic location: 21q22.12.
Variant type: single nucleotide variant.
Coding change: c.267G>T on transcript NM_000219.6 (MANE Select); coding-DNA position 267, G replaced by T.
Protein change: p.Glu89Asp; replaces glutamic acid 89 with aspartic acid.
Molecular consequence: missense variant.
Genome position (GRCh38, 1-based): chr21:34,449,368, C>A on the plus strand (G>T on the coding strand, the complement: KCNE1 is on the minus strand). VCF-style: chr21-34449368-C-A. GRCh37 (hg19) VCF-style: chr21-35821666-C-A.
Other names: c.267G>T, p.Glu89Asp (NM_001127668.4, NM_001127669.4, NM_001127670.4 and 4 more transcripts); short protein forms E89D.
Identifiers: ClinVar variation 3374485 (VCV003374485.2).